The following is an entry in ClinVar:

ClinVar aggregate classification (germline): Likely benign (1 of 4 stars; one submission).

Conditions:
PHIP-related disorder. Also called: PHIP-related disorders; PHIP-related condition.

gnomAD v4.1: 2 of 1,543,622 alleles (0.00013%); highest among the groups gnomAD compares: Non-Finnish European, 0.00017%; no homozygotes.

Submission:

PreventionGenetics, part of Exact Sciences
Classification: Likely benign for PHIP-related condition. Last evaluated: 2025-02-28. Review status: criteria provided, single submitter. Criteria: ACMG Guidelines, 2015. Collection method: clinical testing. Allele origin: germline.
Comment: This variant is classified as likely benign based on ACMG/AMP sequence variant interpretation guidelines (Richards et al. 2015 PMID: 25741868, with internal and published modifications).

NM_017934.7(PHIP):c.130-5C>G

Gene: PHIP (PHIP subunit of CUL4-Ring ligase complex; minus strand). Cytogenetic location: 6q14.1.
Variant type: single nucleotide variant.
Coding change: c.130-5C>G on transcript NM_017934.7 (MANE Select); 5 bases into the intron before coding-DNA position 130, C replaced by G.
Molecular consequence: intron variant.
Genome position (GRCh38, 1-based): chr6:79,077,512, G>C on the plus strand (C>G on the coding strand, the complement: PHIP is on the minus strand). VCF-style: chr6-79077512-G-C. GRCh37 (hg19) VCF-style: chr6-79787229-G-C.
Identifiers: ClinVar variation 4998508 (VCV004998508.1).